The following is an entry in ClinVar:

NM_004924.6(ACTN4):c.2191-4G>A

Gene: ACTN4 (actinin alpha 4; plus strand). Cytogenetic location: 19q13.2.
Variant type: single nucleotide variant.
Coding change: c.2191-4G>A on transcript NM_004924.6 (MANE Select); 4 bases into the intron before coding-DNA position 2191, G replaced by A.
Molecular consequence: intron variant.
Genome position (GRCh38, 1-based): chr19:38,726,953, G>A. VCF-style: chr19-38726953-G-A. GRCh37 (hg19) VCF-style: chr19-39217593-G-A.
Other names: c.2191-4G>A (NM_004924.5, NM_001322033.2).
Identifiers: ClinVar variation 1095333 (VCV001095333.12), dbSNP rs371779934, ClinGen allele CA9417925.
Genomic context (GRCh38, chr19:38,726,953, plus strand): 5'-TGTGAACCACGGTGAGGACAGTTCACAGCACCCGGCCCACGATCACGCCCCCGTCTTTCC[G>A]CAGCACATCCGCGTGGGCTGGGAGCAGCTGCTCACCACCATTGCCCGCACCATCAACGAG-3'

ClinVar aggregate classification (germline): Likely benign. Review status: criteria provided, multiple submitters, no conflicts (2 of 4 stars). 3 submissions from 3 submitters: Likely benign (2). 1 of the submissions does not count toward it. Last evaluated 2025-11-08.

Conditions:
Focal segmental glomerulosclerosis 1 (FSGS1). Identifiers: Orphanet 656, MedGen C4551527, MONDO:0011303, OMIM 603278.
ACTN4-related disorder. Also called: ACTN4-related condition.

Allele frequency attached by ClinVar (database versions not stated): ExAC 0.00002; gnomAD 0.00005 and 0.00006; gnomAD exomes 0.00006; TOPMed 0.00006; ESP Exome Variant Server 0.00008.
gnomAD v4.1: 27 of 1,613,728 alleles (0.0017%); highest among the groups gnomAD compares: Admixed American, 0.028%; no homozygotes.

Submissions (3):

Labcorp Genetics (formerly Invitae), Labcorp
Classification: Likely benign. Last evaluated: 2025-11-08. Review status: criteria provided, single submitter. Criteria: Invitae Variant Classification Sherloc (09022015). Collection method: clinical testing. Allele origin: germline.

Fulgent Genetics
Classification: Likely benign for Focal segmental glomerulosclerosis 1. Last evaluated: 2021-10-11. Review status: criteria provided, single submitter. Criteria: ACMG Guidelines, 2015. Collection method: clinical testing. Allele origin: unknown.

PreventionGenetics, part of Exact Sciences
Classification: Likely benign for ACTN4-related condition. Last evaluated: 2019-11-12. Review status: no assertion criteria provided. Collection method: clinical testing. Allele origin: germline. Not counted in ClinVar's aggregate classification.
Comment: This variant is classified as likely benign based on ACMG/AMP sequence variant interpretation guidelines (Richards et al. 2015 PMID: 25741868, with internal and published modifications).